The following is an entry in ClinVar:

ClinVar aggregate classification (germline): Likely benign. Review status: criteria provided, single submitter (1 of 4 stars). 2 submissions from 2 submitters: Likely benign (1). 1 of the submissions does not count toward it. Last evaluated 2024-09-24.

Conditions:
LAMC3-related disorder. Also called: LAMC3-related condition.

Allele frequency attached by ClinVar (database versions not stated): gnomAD exomes 0.00003; TOPMed 0.00001; gnomAD 0.00002; ExAC 0.00003.
gnomAD v4.1: 49 of 1,613,714 alleles (0.003%); highest among the groups gnomAD compares: Non-Finnish European, 0.0037%; no homozygotes.

Submissions (2):

Labcorp Genetics (formerly Invitae), Labcorp
Classification: Likely benign. Last evaluated: 2024-09-24. Review status: criteria provided, single submitter. Criteria: Invitae Variant Classification Sherloc (09022015). Collection method: clinical testing. Allele origin: germline.

PreventionGenetics, part of Exact Sciences
Classification: Likely benign for LAMC3-related condition. Last evaluated: 2020-12-04. Review status: no assertion criteria provided. Collection method: clinical testing. Allele origin: germline. Not counted in ClinVar's aggregate classification.
Comment: This variant is classified as likely benign based on ACMG/AMP sequence variant interpretation guidelines (Richards et al. 2015 PMID: 25741868, with internal and published modifications).

NM_006059.4(LAMC3):c.1791C>T (p.Ala597=)

Genes: LAMC3 (laminin subunit gamma 3; plus strand), LOC126860777 (BRD4-independent group 4 enhancer GRCh37_chr9:133927058-133928257; plus strand). Cytogenetic location: 9q34.12.
Variant type: single nucleotide variant.
Coding change: c.1791C>T on transcript NM_006059.4 (MANE Select); coding-DNA position 1791, C replaced by T.
Protein change: p.Ala597=; no amino-acid change (alanine 597 retained).
Molecular consequence: synonymous variant.
Genome position (GRCh38, 1-based): chr9:131,052,651, C>T. VCF-style: chr9-131052651-C-T. GRCh37 (hg19) VCF-style: chr9-133928038-C-T.
Other names: c.1791C>T (NM_006059.3).
Identifiers: ClinVar variation 3019010 (VCV003019010.5), dbSNP rs771902055, ClinGen allele CA5287200.
Genomic context (GRCh38, chr9:131,052,651, plus strand): 5'-GGAAGGGACAGGCTTGGCCCTGTCCCTGAGGCACTCTAGCCTGTCTGGCCCCCAGGATGC[C>T]GGGCATCCCAGGGAGGTAGAGCTCAGGTTCCAGTAAGTATCCCCTTCTGTCCTGAGAGAT-3'
Protein context (NP_006050.3, residues 587-607): RHSSLSGPQD[Ala597=]GHPREVELRF